The following is an entry in ClinVar:

ClinVar aggregate classification (germline): Uncertain significance. Review status: criteria provided, multiple submitters, no conflicts (2 of 4 stars). 5 submissions from 4 submitters: Uncertain significance (4). 1 of the submissions does not count toward it. Last evaluated 2025-05-24.

Conditions:
Muscular dystrophy-dystroglycanopathy (congenital with brain and eye anomalies), type A, 4 (MDDGA4). Also called: WALKER-WARBURG SYNDROME OR MUSCLE-EYE-BRAIN DISEASE, FKTN-RELATED; Walker-Warburg Syndrome, Fktn-Related; Congenital muscular dystrophy-dystroglycanopathy with brain and eye anomalies, type A4; Muscular dystrophy, congenital progressive, with mental retardation; Muscular dystrophy, congenital, with central nervous system involvement; Cerebromuscular dystrophy, Fukuyama type. Identifiers: Orphanet 272, Orphanet 588, Orphanet 899, MedGen C0410174, MONDO:0009678, OMIM 253800.
Dilated cardiomyopathy 1X (CMD1X). Also called: FKTN-Related Dilated Cardiomyopathy; CARDIOMYOPATHY, DILATED, WITH MILD OR NO PROXIMAL MUSCLE WEAKNESS. Identifiers: Orphanet 154, MedGen C1969024, MONDO:0012704, OMIM 611615.
Cardiovascular phenotype. Identifiers: MedGen CN230736.
Walker-Warburg congenital muscular dystrophy. Also called: Muscular dystrophy-dystroglycanopathy, type A; Walker-Warburg syndrome. Identifiers: Orphanet 899, MedGen C0265221, MONDO:0000171.

Allele frequency attached by ClinVar (database versions not stated): gnomAD 0.00001; gnomAD exomes 0.00001; TOPMed 0.00001.
gnomAD v4.1: 11 of 1,612,312 alleles (0.00068%); highest among the groups gnomAD compares: Non-Finnish European, 0.00093%; no homozygotes.

Submissions (5):

Ambry Genetics
Classification: Uncertain significance for Cardiovascular phenotype. Last evaluated: 2025-05-24. Review status: criteria provided, single submitter. Criteria: Ambry Variant Classification Scheme 2023. Collection method: clinical testing. Allele origin: germline.
Comment: The p.T93A variant (also known as c.277A>G), located in coding exon 3 of the FKTN gene, results from an A to G substitution at nucleotide position 277. The threonine at codon 93 is replaced by alanine, an amino acid with similar properties. This amino acid position is conserved. In addition, this alteration is predicted to be tolerated by in silico analysis. Since supporting evidence is limited at this time, the clinical significance of this alteration remains unclear.

Labcorp Genetics (formerly Invitae), Labcorp
Classification: Uncertain significance for Walker-Warburg congenital muscular dystrophy. Last evaluated: 2022-09-01. Review status: criteria provided, single submitter. Criteria: Invitae Variant Classification Sherloc (09022015). Collection method: clinical testing. Allele origin: germline.
Comment: This sequence change replaces threonine, which is neutral and polar, with alanine, which is neutral and non-polar, at codon 93 of the FKTN protein (p.Thr93Ala). This variant is present in population databases (no rsID available, gnomAD 0.003%). This variant has not been reported in the literature in individuals affected with FKTN-related conditions. ClinVar contains an entry for this variant (Variation ID: 364487). Algorithms developed to predict the effect of missense changes on protein structure and function output the following: SIFT: "Tolerated"; PolyPhen-2: "Benign"; Align-GVGD: "Class C0". The alanine amino acid residue is found in multiple mammalian species, which suggests that this missense change does not adversely affect protein function. In summary, the available evidence is currently insufficient to determine the role of this variant in disease. Therefore, it has been classified as a Variant of Uncertain Significance.

Illumina Laboratory Services, Illumina
Classification: Uncertain significance for Muscular dystrophy-dystroglycanopathy (congenital with brain and eye anomalies), type A, 4. Last evaluated: 2018-01-12. Review status: criteria provided, single submitter. Criteria: ICSL Variant Classification Criteria 13 December 2019. Collection method: clinical testing. Allele origin: germline.

Illumina Laboratory Services, Illumina
Classification: Uncertain significance for Dilated cardiomyopathy 1X. Last evaluated: 2018-01-12. Review status: criteria provided, single submitter. Criteria: ICSL Variant Classification Criteria 13 December 2019. Collection method: clinical testing. Allele origin: germline.

Natera, Inc.
Classification: Uncertain significance for Walker-Warburg congenital muscular dystrophy. Last evaluated: 2019-10-28. Review status: no assertion criteria provided. Collection method: clinical testing. Allele origin: germline. Not counted in ClinVar's aggregate classification.

NM_001079802.2(FKTN):c.277A>G (p.Thr93Ala)

Gene: FKTN (fukutin; plus strand). Cytogenetic location: 9q31.2.
Variant type: single nucleotide variant.
Coding change: c.277A>G on transcript NM_001079802.2 (MANE Select); coding-DNA position 277, A replaced by G.
Protein change: p.Thr93Ala; replaces threonine 93 with alanine.
Molecular consequence: missense variant. On other transcripts: 5 prime UTR variant (4), non-coding transcript variant (2).
Genome position (GRCh38, 1-based): chr9:105,601,256, A>G. VCF-style: chr9-105601256-A-G. GRCh37 (hg19) VCF-style: chr9-108363537-A-G.
Other names: c.277A>G, p.Thr93Ala (NM_001198963.2, NM_001351496.2, NM_001351498.2 and 1 more transcripts); c.208A>G, p.Thr70Ala (NM_001351497.2); c.-238A>G (NM_001351499.2, NM_001351500.2, NM_001351501.2 and 1 more transcripts); short protein forms T93A, T70A.
Identifiers: ClinVar variation 364487 (VCV000364487.16), dbSNP rs886063319, ClinGen allele CA10632118.